The following is an entry in ClinVar:

NM_001374675.1(HSF4):c.195T>A (p.His65Gln)

Gene: HSF4 (heat shock transcription factor 4; plus strand). Cytogenetic location: 16q22.1.
Variant type: single nucleotide variant.
Coding change: c.195T>A on transcript NM_001374675.1 (MANE Select); coding-DNA position 195, T replaced by A.
Protein change: p.His65Gln; replaces histidine 65 with glutamine.
Molecular consequence: missense variant.
Genome position (GRCh38, 1-based): chr16:67,165,593, T>A. VCF-style: chr16-67165593-T-A. GRCh37 (hg19) VCF-style: chr16-67199496-T-A.
Other names: c.195T>A, p.His65Gln (NM_001040667.3, NM_001374674.1, NM_001538.4); short protein forms H65Q.
Identifiers: ClinVar variation 1687291 (VCV001687291.1), dbSNP rs2031203646, ClinGen allele CA396263066.

ClinVar aggregate classification (germline): Uncertain significance (1 of 4 stars; one submission).

Conditions:
Cataract 5 multiple types (CTRCT5). Also called: CATARACT, MARNER TYPE; CATARACT 5, LAMELLAR; Lamellar cataract. Identifiers: Orphanet 91492, MedGen C0266537, MONDO:0007290, OMIM 116800, HP:0007971.

Submission:

3billion
Classification: Uncertain significance for Cataract 5 multiple types. Last evaluated: 2022-05-22. Review status: criteria provided, single submitter. Criteria: ACMG Guidelines, 2015. Collection method: clinical testing. Allele origin: germline. Affected: yes. Observed: 1 heterozygote.
Comment: The variant is not observed in the gnomAD v2.1.1 dataset. Missense variant, The variant locates in the DNA-binding domain which contains several pathogenic missense variants reported from congenital cataracts patients (PMID: 12089525). In silico tool predictions suggest damaging effect of the variant on gene or gene product (REVEL: 0.89; 3Cnet: 3CNET). Therefore, this variant is classified as uncertain significanceaccording to the recommendation of ACMG/AMP guideline.